The following is an entry in ClinVar:

ClinVar aggregate classification (germline): Uncertain significance (1 of 4 stars; one submission).

Conditions:
Nephrolithiasis/nephrocalcinosis. Identifiers: MedGen CN580796.

Submission:

Ambry Genetics
Classification: Uncertain significance for Nephrolithiasis/nephrocalcinosis. Last evaluated: 2024-02-29. Review status: criteria provided, single submitter. Criteria: Ambry Variant Classification Scheme 2023. Collection method: clinical testing. Allele origin: germline.
Comment: The p.E604A variant (also known as c.1811A>C), located in coding exon 6 of the CASR gene, results from an A to C substitution at nucleotide position 1811. The glutamic acid at codon 604 is replaced by alanine, an amino acid with dissimilar properties. This amino acid position is highly conserved in available vertebrate species. In addition, this alteration is predicted to be deleterious by in silico analysis. In addition, the evidence for the gene-disease relationship is limited for pancreatitis and cancer predisposition; therefore, the clinical significance of this variant for CASR-related pancreatitis and cancer predisposition is unclear. Based on the available evidence, the clinical significance of this alteration remains unclear.

NM_000388.4(CASR):c.1811A>C (p.Glu604Ala)

Gene: CASR (calcium sensing receptor; plus strand). Cytogenetic location: 3q21.1.
Variant type: single nucleotide variant.
Coding change: c.1811A>C on transcript NM_000388.4 (MANE Select); coding-DNA position 1811, A replaced by C.
Protein change: p.Glu604Ala; replaces glutamic acid 604 with alanine.
Molecular consequence: missense variant.
Genome position (GRCh38, 1-based): chr3:122,283,765, A>C. VCF-style: chr3-122283765-A-C. GRCh37 (hg19) VCF-style: chr3-122002612-A-C.
Other names: c.1841A>C, p.Glu614Ala (NM_001178065.2); short protein forms E604A, E614A.
Identifiers: ClinVar variation 3231512 (VCV003231512.1), dbSNP rs2473276337, ClinGen allele CA354157452.